The following is an entry in ClinVar:

NM_007194.4(CHEK2):c.512A>G (p.Asn171Ser)

Gene: CHEK2 (checkpoint kinase 2; minus strand). Cytogenetic location: 22q12.1.
Variant type: single nucleotide variant.
Coding change: c.512A>G on transcript NM_007194.4 (MANE Select); coding-DNA position 512, A replaced by G.
Protein change: p.Asn171Ser; replaces asparagine 171 with serine.
Molecular consequence: missense variant. On other transcripts: 5 prime UTR variant (2), intron variant (1).
Genome position (GRCh38, 1-based): chr22:28,725,057, T>C on the plus strand (A>G on the coding strand, the complement: CHEK2 is on the minus strand). VCF-style: chr22-28725057-T-C. GRCh37 (hg19) VCF-style: chr22-29121045-T-C.
Other names: c.641A>G, p.Asn214Ser (NM_001005735.3, NM_001438294.1); c.-266A>G (NM_001257387.3); c.-152A>G (NM_001437942.1); c.605A>G, p.Asn202Ser (NM_001438293.1, NM_001438295.1); c.512A>G, p.Asn171Ser (NM_145862.3); c.445-134A>G (NM_001349956.3); short protein forms N171S, N214S, N202S.
Identifiers: ClinVar variation 1049312 (VCV001049312.6), dbSNP rs2146059474, ClinGen allele CA411107387.
Genomic context (GRCh38, chr22:28,725,057, plus strand): 5'-AGTGCAATTTCAGAATTGTTATTCAAAGGACGGCGTTTTCCTTTCCCTACAAGCTCTGTA[T>C]TTACAAAGGTTCCATTGCCACTGTGATCTTCTATGTATGCAATGTAAGAGTTTTTAGGAC-3'
Protein context (NP_009125.1, residues 161-181): EDHSGNGTFV[Asn171Ser]TELVGKGKRR

ClinVar aggregate classification (germline): Uncertain significance. Review status: criteria provided, single submitter (1 of 4 stars). 2 submissions from 2 submitters: Uncertain significance (1). 1 of the submissions does not count toward it. Last evaluated 2025-02-18.

Conditions:
Familial ovarian cancer. Identifiers: MedGen C5679802, MONDO:0016248.
Familial cancer of breast. Also called: BREAST CANCER, FAMILIAL; Hereditary breast cancer; hereditary breast carcinoma. Identifiers: Orphanet 227535, MedGen C0346153, MONDO:0016419, OMIM 114480. Disease mechanism: loss of function.

Submissions (2):

Labcorp Genetics (formerly Invitae), Labcorp
Classification: Uncertain significance for Familial cancer of breast. Last evaluated: 2025-02-18. Review status: criteria provided, single submitter. Criteria: Invitae Variant Classification Sherloc (09022015). Collection method: clinical testing. Allele origin: germline.
Comment: This sequence change replaces asparagine, which is neutral and polar, with serine, which is neutral and polar, at codon 171 of the CHEK2 protein (p.Asn171Ser). This variant is not present in population databases (gnomAD no frequency). This variant has not been reported in the literature in individuals affected with CHEK2-related conditions. ClinVar contains an entry for this variant (Variation ID: 1049312). An algorithm developed to predict the effect of missense changes on protein structure and function (PolyPhen-2) suggests that this variant is likely to be disruptive. Algorithms developed to predict the effect of sequence changes on RNA splicing suggest that this variant may create or strengthen a splice site. This variant disrupts the forkhead associated domain of the CHEK2 protein, which is essential for protein function (PMID: 30264118, 31843900, 29785007). While functional studies have not been performed to directly test the effect of this variant on CHEK2 protein function, this suggests that disruption of this region of the protein is causative of disease. In summary, the available evidence is currently insufficient to determine the role of this variant in disease. Therefore, it has been classified as a Variant of Uncertain Significance.

Department of Pathology and Laboratory Medicine, Sinai Health System
Classification: Uncertain significance for Familial ovarian cancer. Review status: no assertion criteria provided. Collection method: clinical testing. Allele origin: unknown. Affected: yes. Observed: 1 variant allele. Study: The Canadian Open Genetics Repository (COGR). Not counted in ClinVar's aggregate classification.
Comment: The CHEK2 p.Asn171Ser variant was not identified in the literature nor was it identified in the dbSNP, or ClinVar databases. The variant was not identified in the following control databases: the Exome Aggregation Consortium (August 8th 2016), or the Genome Aggregation Database (Feb 27, 2017). The p.Asn171 residue is conserved in mammals and computational analyses (PolyPhen-2, SIFT, AlignGVGD, BLOSUM, MutationTaster) provide inconsistent predictions regarding the impact to the protein; this information is not very predictive of pathogenicity. The variant occurs outside of the splicing consensus sequence and 3 of 4 in silico or computational prediction software programs (SpliceSiteFinder, MaxEntScan, NNSPLICE, GeneSplicer) predict a greater than 10% difference in splicing, however, this information is not predictive enough to assume pathogenicity. In summary, based on the above information the clinical significance of this variant cannot be determined with certainty at this time. This variant is classified as a variant of uncertain significance.

Literature cited by the submitters: PubMed 30264118 (cited by Labcorp Genetics (formerly Invitae), Labcorp); PubMed 31843900 (cited by Labcorp Genetics (formerly Invitae), Labcorp); PubMed 29785007 (cited by Labcorp Genetics (formerly Invitae), Labcorp).